The following is an entry in ClinVar:

NM_000038.6(APC):c.1427C>T (p.Ala476Val)

Gene: APC (APC regulator of Wnt signaling pathway; plus strand). Cytogenetic location: 5q22.2.
Variant type: single nucleotide variant.
Coding change: c.1427C>T on transcript NM_000038.6 (MANE Select); coding-DNA position 1427, C replaced by T.
Protein change: p.Ala476Val; replaces alanine 476 with valine.
Molecular consequence: missense variant.
Genome position (GRCh38, 1-based): chr5:112,827,126, C>T. VCF-style: chr5-112827126-C-T. GRCh37 (hg19) VCF-style: chr5-112162823-C-T.
Other names: c.1427C>T, p.Ala476Val (NM_001127510.3, NM_001354895.2); c.1373C>T, p.Ala458Val (NM_001127511.3); c.1481C>T, p.Ala494Val (NM_001354896.2); c.1457C>T, p.Ala486Val (NM_001354897.2); c.1352C>T, p.Ala451Val (NM_001354898.2); c.1343C>T, p.Ala448Val (NM_001354899.2); c.1304C>T, p.Ala435Val (NM_001354900.2); c.1250C>T, p.Ala417Val (NM_001354901.2); and 5 more; short protein forms A316V, A350V, A451V, A458V, A476V, A486V, A494V, A448V.
Identifiers: ClinVar variation 657309 (VCV000657309.13), dbSNP rs1211322279, ClinGen allele CA16024431.

ClinVar aggregate classification (germline): Uncertain significance. Review status: criteria provided, multiple submitters, no conflicts (2 of 4 stars). 2 submissions from 2 submitters: Uncertain significance (2). Last evaluated 2024-03-07.

Conditions:
Familial adenomatous polyposis 1 (FAP1). Also called: FAMILIAL ADENOMATOUS POLYPOSIS 1, ATTENUATED; POLYPOSIS, ADENOMATOUS INTESTINAL. Identifiers: MedGen C2713442, MONDO:0021056, OMIM 175100. Disease mechanism: loss of function.

Allele frequency attached by ClinVar (database versions not stated): gnomAD exomes below 0.00001.
gnomAD v4.1: 1 of 1,613,622 alleles (0.000062%); highest among the groups gnomAD compares: Non-Finnish European, 0.000085%; no homozygotes.

Submissions (2):

Baylor Genetics
Classification: Uncertain significance for Familial adenomatous polyposis 1. Last evaluated: 2024-03-07. Review status: criteria provided, single submitter. Criteria: ACMG Guidelines, 2015. Collection method: clinical testing. Allele origin: unknown.

Labcorp Genetics (formerly Invitae), Labcorp
Classification: Uncertain significance for Familial adenomatous polyposis 1. Last evaluated: 2019-12-07. Review status: criteria provided, single submitter. Criteria: Invitae Variant Classification Sherloc (09022015). Collection method: clinical testing. Allele origin: germline.
Comment: In summary, the available evidence is currently insufficient to determine the role of this variant in disease. Therefore, it has been classified as a Variant of Uncertain Significance. Algorithms developed to predict the effect of missense changes on protein structure and function are either unavailable or do not agree on the potential impact of this missense change (SIFT: "Deleterious"; PolyPhen-2: "Benign"; Align-GVGD: "Class C0"). This variant has not been reported in the literature in individuals with APC-related disease. This variant is not present in population databases (ExAC no frequency). This sequence change replaces alanine with valine at codon 476 of the APC protein (p.Ala476Val). The alanine residue is highly conserved and there is a small physicochemical difference between alanine and valine.